The following is an entry in ClinVar:

ClinVar aggregate classification (germline): Uncertain significance (1 of 4 stars; one submission).

Allele frequency attached by ClinVar (database versions not stated): gnomAD exomes below 0.00001.
gnomAD v4.1: 1 of 1,613,110 alleles (0.000062%); highest among the groups gnomAD compares: East Asian, 0.0022%; no homozygotes.

Submission:

GeneDx
Classification: Uncertain significance. Last evaluated: 2022-03-17. Review status: criteria provided, single submitter. Criteria: GeneDx Variant Classification Process June 2021. Collection method: clinical testing. Allele origin: germline. Affected: yes.
Comment: Not observed at significant frequency in large population cohorts (gnomAD); In silico analysis supports that this missense variant has a deleterious effect on protein structure/function; Has not been previously published as pathogenic or benign to our knowledge

NM_015295.3(SMCHD1):c.3058G>T (p.Asp1020Tyr)

Gene: SMCHD1 (structural maintenance of chromosomes flexible hinge domain containing 1; plus strand). Cytogenetic location: 18p11.32.
Variant type: single nucleotide variant.
Coding change: c.3058G>T on transcript NM_015295.3 (MANE Select); coding-DNA position 3058, G replaced by T.
Protein change: p.Asp1020Tyr; replaces aspartic acid 1020 with tyrosine.
Molecular consequence: missense variant.
Genome position (GRCh38, 1-based): chr18:2,732,274, G>T. VCF-style: chr18-2732274-G-T. GRCh37 (hg19) VCF-style: chr18-2732272-G-T.
Other names: short protein forms D1020Y.
Identifiers: ClinVar variation 1706242 (VCV001706242.2), dbSNP rs2510090566, ClinGen allele CA401685463.
Genomic context (GRCh38, chr18:2,732,274, plus strand): 5'-AAAATTTCAGTACAGATATCACTCAGTGTTTGTGTTTTCTTCTCTTTCTAGAGTTGTAAA[G>T]ATGTGGCACCTGTGGAGAAGACTATTAAGTTGCTTCCCAGTAGCCATGTTGCAAGACTAC-3'
Protein context (NP_056110.2, residues 1010-1030): KARIEIPSCK[Asp1020Tyr]VAPVEKTIKL